The following is an entry in ClinVar:

NM_000095.3(COMP):c.705C>T (p.Ser235=)

Gene: COMP (cartilage oligomeric matrix protein; minus strand). Cytogenetic location: 19p13.11.
Variant type: single nucleotide variant.
Coding change: c.705C>T on transcript NM_000095.3 (MANE Select); coding-DNA position 705, C replaced by T.
Protein change: p.Ser235=; no amino-acid change (serine 235 retained).
Molecular consequence: synonymous variant.
Genome position (GRCh38, 1-based): chr19:18,788,649, G>A on the plus strand (C>T on the coding strand, the complement: COMP is on the minus strand). VCF-style: chr19-18788649-G-A. GRCh37 (hg19) VCF-style: chr19-18899458-G-A.
Identifiers: ClinVar variation 1377397 (VCV001377397.6), dbSNP rs1169997187, ClinGen allele CA506117820.

ClinVar aggregate classification (germline): Uncertain significance (1 of 4 stars; one submission).

Submission:

Labcorp Genetics (formerly Invitae), Labcorp
Classification: Uncertain significance. Last evaluated: 2021-08-24. Review status: criteria provided, single submitter. Criteria: Invitae Variant Classification Sherloc (09022015). Collection method: clinical testing. Allele origin: germline.
Comment: This sequence change affects codon 235 of the COMP mRNA. It is a 'silent' change, meaning that it does not change the encoded amino acid sequence of the COMP protein. The frequency data for this variant in the population databases is considered unreliable, as metrics indicate insufficient coverage at this position in the ExAC database. This variant has not been reported in the literature in individuals affected with COMP-related conditions. Algorithms developed to predict the effect of sequence changes on RNA splicing suggest that this variant may create or strengthen a splice site. In summary, the available evidence is currently insufficient to determine the role of this variant in disease. Therefore, it has been classified as a Variant of Uncertain Significance.